The following is an entry in ClinVar:

NM_031433.4(MFRP):c.1655G>T (p.Gly552Val)

Genes: C1QTNF5 (C1q and TNF related 5; minus strand), MFRP (membrane frizzled-related protein; minus strand). Cytogenetic location: 11q23.3.
Variant type: single nucleotide variant.
Coding change: c.1655G>T on transcript NM_031433.4 (MANE Select); coding-DNA position 1655, G replaced by T.
Protein change: p.Gly552Val; replaces glycine 552 with valine.
Molecular consequence: missense variant. On other transcripts: 5 prime UTR variant (1).
Genome position (GRCh38, 1-based): chr11:119,341,633, C>A on the plus strand (G>T on the coding strand, the complement: MFRP is on the minus strand). VCF-style: chr11-119341633-C-A. GRCh37 (hg19) VCF-style: chr11-119212343-C-A.
Other names: c.-982G>T (NM_015645.5); short protein forms G552V.
Identifiers: ClinVar variation 1004984 (VCV001004984.9), dbSNP rs1377658453, ClinGen allele CA382971446.

ClinVar aggregate classification (germline): Uncertain significance (1 of 4 stars; one submission).

Conditions:
Isolated microphthalmia 5. Also called: Posterior Microphthalmia with Retinitis Pigmentosa, Foveoschisis, and Optic Disc Drusen. Identifiers: Orphanet 251279, MedGen C1970236, MONDO:0012605, OMIM 611040.

Allele frequency attached by ClinVar (database versions not stated): gnomAD exomes below 0.00001; gnomAD 0.00001; TOPMed 0.00001.
gnomAD v4.1: 2 of 1,612,878 alleles (0.00012%); highest among the groups gnomAD compares: Non-Finnish European, 0.00017%; no homozygotes.

Submission:

Labcorp Genetics (formerly Invitae), Labcorp
Classification: Uncertain significance for Isolated microphthalmia 5. Last evaluated: 2022-01-13. Review status: criteria provided, single submitter. Criteria: Invitae Variant Classification Sherloc (09022015). Collection method: clinical testing. Allele origin: germline.
Comment: This sequence change replaces glycine, which is neutral and non-polar, with valine, which is neutral and non-polar, at codon 552 of the MFRP protein (p.Gly552Val). This variant is not present in population databases (gnomAD no frequency). This variant has not been reported in the literature in individuals affected with MFRP-related conditions. ClinVar contains an entry for this variant (Variation ID: 1004984). Algorithms developed to predict the effect of missense changes on protein structure and function are either unavailable or do not agree on the potential impact of this missense change (SIFT: "Tolerated"; PolyPhen-2: "Probably Damaging"; Align-GVGD: "Class C0"). In summary, the available evidence is currently insufficient to determine the role of this variant in disease. Therefore, it has been classified as a Variant of Uncertain Significance.